The following is an entry in ClinVar:

NM_032043.3(BRIP1):c.1362A>C (p.Glu454Asp)

Gene: BRIP1 (BRCA1 interacting DNA helicase 1; minus strand). Cytogenetic location: 17q23.2.
Variant type: single nucleotide variant.
Coding change: c.1362A>C on transcript NM_032043.3 (MANE Select); coding-DNA position 1362, A replaced by C.
Protein change: p.Glu454Asp; replaces glutamic acid 454 with aspartic acid.
Molecular consequence: missense variant.
Genome position (GRCh38, 1-based): chr17:61,793,708, T>G on the plus strand (A>C on the coding strand, the complement: BRIP1 is on the minus strand). VCF-style: chr17-61793708-T-G. GRCh37 (hg19) VCF-style: chr17-59871069-T-G.
Other names: short protein forms E454D.
Identifiers: ClinVar variation 185909 (VCV000185909.15), dbSNP rs786202553, ClinGen allele CA193333.

ClinVar aggregate classification (germline): Uncertain significance. Review status: criteria provided, multiple submitters, no conflicts (2 of 4 stars). 2 submissions from 2 submitters: Uncertain significance (2). Last evaluated 2022-12-27.

Conditions:
Familial cancer of breast. Also called: BREAST CANCER, FAMILIAL; Hereditary breast cancer; hereditary breast carcinoma. Identifiers: Orphanet 227535, MedGen C0346153, MONDO:0016419, OMIM 114480. Disease mechanism: loss of function.
Fanconi anemia complementation group J. Also called: BRIP1-Related Fanconi Anemia. Identifiers: Orphanet 84, MedGen C1836860, MONDO:0012187, OMIM 609054.
Hereditary cancer-predisposing syndrome. Also called: Hereditary Cancer Syndrome; Neoplastic Syndromes, Hereditary; Tumor predisposition; Hereditary neoplastic syndrome. Identifiers: Orphanet 140162, MedGen C0027672, MeSH D009386, MONDO:0015356.

Allele frequency attached by ClinVar (database versions not stated): gnomAD exomes below 0.00001.
gnomAD v4.1: 1 of 1,610,820 alleles (0.000062%); highest among the groups gnomAD compares: Non-Finnish European, 0.000085%; no homozygotes.

Submissions (2):

Ambry Genetics
Classification: Uncertain significance for Hereditary cancer-predisposing syndrome. Last evaluated: 2022-12-27. Review status: criteria provided, single submitter. Criteria: Ambry Variant Classification Scheme 2023. Collection method: clinical testing. Allele origin: germline.
Comment: The p.E454D variant (also known as c.1362A>C), located in coding exon 9 of the BRIP1 gene, results from an A to C substitution at nucleotide position 1362. The glutamic acid at codon 454 is replaced by aspartic acid, an amino acid with highly similar properties. This amino acid position is not well conserved in available vertebrate species. In addition, this alteration is predicted to be tolerated by in silico analysis. Since supporting evidence is limited at this time, the clinical significance of this alteration remains unclear.

Labcorp Genetics (formerly Invitae), Labcorp
Classification: Uncertain significance for Familial cancer of breast; Fanconi anemia complementation group J. Last evaluated: 2020-06-28. Review status: criteria provided, single submitter. Criteria: Invitae Variant Classification Sherloc (09022015). Collection method: clinical testing. Allele origin: germline.
Comment: This variant has not been reported in the literature in individuals with BRIP1-related conditions. ClinVar contains an entry for this variant (Variation ID: 185909). This sequence change replaces glutamic acid with aspartic acid at codon 454 of the BRIP1 protein (p.Glu454Asp). The glutamic acid residue is weakly conserved and there is a small physicochemical difference between glutamic acid and aspartic acid. This variant is not present in population databases (ExAC no frequency). Algorithms developed to predict the effect of missense changes on protein structure and function (SIFT, PolyPhen-2, Align-GVGD) all suggest that this variant is likely to be tolerated, but these predictions have not been confirmed by published functional studies and their clinical significance is uncertain. In summary, the available evidence is currently insufficient to determine the role of this variant in disease. Therefore, it has been classified as a Variant of Uncertain Significance.